The following is an entry in ClinVar:

ClinVar aggregate classification (germline): Benign/Likely benign. Review status: criteria provided, multiple submitters, no conflicts (2 of 4 stars). 3 submissions from 3 submitters: Benign (1); Likely benign (2). Last evaluated 2026-01-02.

Conditions:
Inborn genetic diseases. Identifiers: MedGen C0950123, MeSH D030342.
Familial hemiplegic migraine. Identifiers: MedGen C0338484, MONDO:0000700.

Allele frequency attached by ClinVar (database versions not stated): gnomAD 0.00009 and 0.00012; ExAC 0.00017; gnomAD exomes 0.00018 and 0.00005; 1000 Genomes Project 30x 0.00078; 1000 Genomes Project 0.00100; TOPMed 0.00005.
gnomAD v4.1: 85 of 1,614,090 alleles (0.0053%); highest among the groups gnomAD compares: East Asian, 0.18%; no homozygotes.

Submissions (3):

Labcorp Genetics (formerly Invitae), Labcorp
Classification: Likely benign for Familial hemiplegic migraine. Last evaluated: 2026-01-02. Review status: criteria provided, single submitter. Criteria: Invitae Variant Classification Sherloc (09022015). Collection method: clinical testing. Allele origin: germline.

GeneDx
Classification: Likely benign. Last evaluated: 2020-07-10. Review status: criteria provided, single submitter. Criteria: GeneDx Variant Classification Process June 2021. Collection method: clinical testing. Allele origin: germline. Affected: yes.
Comment: In silico analysis supports that this missense variant has a deleterious effect on protein structure/function

Ambry Genetics
Classification: Benign for Inborn genetic diseases. Last evaluated: 2020-01-24. Review status: criteria provided, single submitter. Criteria: Ambry Variant Classification Scheme 2023. Collection method: clinical testing. Allele origin: germline.

NM_000702.4(ATP1A2):c.1415A>G (p.Asn472Ser)

Gene: ATP1A2 (ATPase Na+/K+ transporting subunit alpha 2; plus strand). Cytogenetic location: 1q23.2.
Variant type: single nucleotide variant.
Coding change: c.1415A>G on transcript NM_000702.4 (MANE Select); coding-DNA position 1415, A replaced by G.
Protein change: p.Asn472Ser; replaces asparagine 472 with serine.
Molecular consequence: missense variant.
Genome position (GRCh38, 1-based): chr1:160,129,354, A>G. VCF-style: chr1-160129354-A-G. GRCh37 (hg19) VCF-style: chr1-160099144-A-G.
Other names: p.N472S:AAC>AGC; short protein forms N472S.
Identifiers: ClinVar variation 204887 (VCV000204887.16), dbSNP rs529607288, ClinGen allele CA313280.